The following is an entry in ClinVar:

ClinVar aggregate classification (germline): Likely benign (1 of 4 stars; one submission).

Submission:

CeGaT Center for Human Genetics Tuebingen
Classification: Likely benign. Last evaluated: 2025-11-01. Review status: criteria provided, single submitter. Criteria: CeGaT Center For Human Genetics Tuebingen Variant Classification Criteria Version 2. Collection method: clinical testing. Allele origin: germline. Affected: yes. Observed: 1 variant allele.
Comment: SAMD9L: PM2:Supporting, BP4, BP7

NM_152703.5(SAMD9L):c.3327C>G (p.Ala1109=)

Gene: SAMD9L (sterile alpha motif domain containing 9 like; minus strand). Cytogenetic location: 7q21.2.
Variant type: single nucleotide variant.
Coding change: c.3327C>G on transcript NM_152703.5 (MANE Select); coding-DNA position 3327, C replaced by G.
Protein change: p.Ala1109=; no amino-acid change (alanine 1109 retained).
Molecular consequence: synonymous variant.
Genome position (GRCh38, 1-based): chr7:93,132,645, G>C on the plus strand (C>G on the coding strand, the complement: SAMD9L is on the minus strand). VCF-style: chr7-93132645-G-C. GRCh37 (hg19) VCF-style: chr7-92761958-G-C.
Other names: c.3327C>G, p.Ala1109= (NM_001303496.3, NM_001303497.3, NM_001303498.3 and 5 more transcripts).
Identifiers: ClinVar variation 4535176 (VCV004535176.6).